The following is an entry in ClinVar:

ClinVar aggregate classification (germline): Uncertain significance. Review status: criteria provided, multiple submitters, no conflicts (2 of 4 stars). 2 submissions from 2 submitters: Uncertain significance (2). Last evaluated 2026-03-09.

Conditions:
Hereditary cancer-predisposing syndrome. Also called: Neoplastic Syndromes, Hereditary; Tumor predisposition; Hereditary Cancer Syndrome; Hereditary neoplastic syndrome. Identifiers: Orphanet 140162, MedGen C0027672, MeSH D009386, MONDO:0015356.
Neurofibromatosis, type 2 (SWNV). Also called: BILATERAL ACOUSTIC NEUROFIBROMATOSIS; SCHWANNOMATOSIS, VESTIBULAR; NF2-Related Schwannomatosis. Identifiers: Orphanet 637, MedGen C0027832, MONDO:0007039, OMIM 101000. Disease mechanism: loss of function.

Submissions (2):

Ambry Genetics
Classification: Uncertain significance for Hereditary cancer-predisposing syndrome. Last evaluated: 2026-03-09. Review status: criteria provided, single submitter. Criteria: Ambry Variant Classification Scheme 2023. Collection method: clinical testing. Allele origin: germline.
Comment: The p.A399P variant (also known as c.1195G>C), located in coding exon 12 of the NF2 gene, results from a G to C substitution at nucleotide position 1195. The alanine at codon 399 is replaced by proline, an amino acid with highly similar properties. This amino acid position is highly conserved in available vertebrate species. In addition, the in silico prediction for this alteration is inconclusive. Based on the available evidence, the clinical significance of this variant remains unclear.

Labcorp Genetics (formerly Invitae), Labcorp
Classification: Uncertain significance for Neurofibromatosis, type 2. Last evaluated: 2025-08-04. Review status: criteria provided, single submitter. Criteria: Invitae Variant Classification Sherloc (09022015). Collection method: clinical testing. Allele origin: germline.
Comment: This sequence change replaces alanine, which is neutral and non-polar, with proline, which is neutral and non-polar, at codon 399 of the NF2 protein (p.Ala399Pro). This variant is not present in population databases (gnomAD no frequency). This missense change has been observed in individual(s) with neurofibromatosis type 2 (PMID: 26073919). ClinVar contains an entry for this variant (Variation ID: 3709134). Invitae Evidence Modeling of protein sequence and biophysical properties (such as structural, functional, and spatial information, amino acid conservation, physicochemical variation, residue mobility, and thermodynamic stability) indicates that this missense variant is not expected to disrupt NF2 protein function with a negative predictive value of 80%. In summary, the available evidence is currently insufficient to determine the role of this variant in disease. Therefore, it has been classified as a Variant of Uncertain Significance.

Literature cited by the submitters: PubMed 26073919 (cited by Labcorp Genetics (formerly Invitae), Labcorp).

NM_000268.4(NF2):c.1195G>C (p.Ala399Pro)

Gene: NF2 (NF2, moesin-ezrin-radixin like (MERLIN) tumor suppressor; plus strand). Cytogenetic location: 22q12.2.
Variant type: single nucleotide variant.
Coding change: c.1195G>C on transcript NM_000268.4 (MANE Select); coding-DNA position 1195, G replaced by C.
Protein change: p.Ala399Pro; replaces alanine 399 with proline.
Molecular consequence: missense variant. On other transcripts: intron variant (1).
Genome position (GRCh38, 1-based): chr22:29,673,341, G>C. VCF-style: chr22-29673341-G-C. GRCh37 (hg19) VCF-style: chr22-30069330-G-C.
Other names: c.1081G>C, p.Ala361Pro (NM_001407053.1, NM_001407056.1); c.1072G>C, p.Ala358Pro (NM_001407054.1, NM_001407058.1, NM_181829.3); c.1069G>C, p.Ala357Pro (NM_001407055.1, NM_181828.3); c.1060G>C, p.Ala354Pro (NM_001407057.1, NM_001407059.1); c.1195G>C, p.Ala399Pro (NM_001407060.1, NM_001407066.1, NM_016418.5 and 2 more transcripts); c.937G>C, p.Ala313Pro (NM_001407062.1); c.946G>C, p.Ala316Pro (NM_001407063.1, NM_001407064.1, NM_181830.3 and 1 more transcripts); c.661G>C, p.Ala221Pro (NM_001407065.1); and 2 more; short protein forms A313P, A316P, A322P, A358P, A221P, A361P, A399P, A354P.
Identifiers: ClinVar variation 3709134 (VCV003709134.3).
Genomic context (GRCh38, chr22:29,673,341, plus strand): 5'-GAGACAGCTGACCTGTTGGCTGAAAAGGCCCAGATCACCGAGGAGGAGGCAAAACTTCTG[G>C]CCCAGAAGGCCGCAGAGGCTGAGCAGGAAATGCAGCGCATCAAGGCCACAGCGATTCGCA-3'
Protein context (NP_000259.1, residues 389-409): QITEEEAKLL[Ala399Pro]QKAAEAEQEM